The following is an entry in ClinVar:

NM_000350.3(ABCA4):c.66+1G>C

Gene: ABCA4 (ATP binding cassette subfamily A member 4; minus strand). Cytogenetic location: 1p22.1.
Variant type: single nucleotide variant.
Coding change: c.66+1G>C on transcript NM_000350.3 (MANE Select); the canonical splice donor site of the intron after coding-DNA position 66, G replaced by C.
Molecular consequence: splice donor variant.
Genome position (GRCh38, 1-based): chr1:94,120,979, C>G on the plus strand (G>C on the coding strand, the complement: ABCA4 is on the minus strand). VCF-style: chr1-94120979-C-G. GRCh37 (hg19) VCF-style: chr1-94586535-C-G.
Identifiers: ClinVar variation 2128581 (VCV002128581.4), dbSNP rs2524047814, ClinGen allele CA341288483.

ClinVar aggregate classification (germline): Likely pathogenic (1 of 4 stars; one submission).

Submission:

Labcorp Genetics (formerly Invitae), Labcorp
Classification: Likely pathogenic. Last evaluated: 2024-04-02. Review status: criteria provided, single submitter. Criteria: Invitae Variant Classification Sherloc (09022015). Collection method: clinical testing. Allele origin: germline.
Comment: This sequence change affects a donor splice site in intron 1 of the ABCA4 gene. It is expected to disrupt RNA splicing. Variants that disrupt the donor or acceptor splice site typically lead to a loss of protein function (PMID: 16199547), and loss-of-function variants in ABCA4 are known to be pathogenic (PMID: 10958761, 24938718, 25312043, 26780318). This variant is not present in population databases (gnomAD no frequency). This variant has not been reported in the literature in individuals affected with ABCA4-related conditions. ClinVar contains an entry for this variant (Variation ID: 2128581). Algorithms developed to predict the effect of sequence changes on RNA splicing suggest that this variant may disrupt the consensus splice site. In summary, the currently available evidence indicates that the variant is pathogenic, but additional data are needed to prove that conclusively. Therefore, this variant has been classified as Likely Pathogenic.

Literature cited by the submitters: PubMed 16199547; PubMed 10958761; PubMed 24938718; PubMed 25312043; PubMed 26780318.